The following is an entry in ClinVar:

ClinVar aggregate classification (germline): Uncertain significance. Review status: criteria provided, multiple submitters, no conflicts (2 of 4 stars). 2 submissions from 2 submitters: Uncertain significance (2). Last evaluated 2025-01-27.

Conditions:
Inborn genetic diseases. Identifiers: MedGen C0950123, MeSH D030342.

Allele frequency attached by ClinVar (database versions not stated): TOPMed 0.00009; ESP Exome Variant Server 0.00015.
gnomAD v4.1: 28 of 1,613,686 alleles (0.0017%); highest among the groups gnomAD compares: African/African-American, 0.032%; no homozygotes.

Submissions (2):

Labcorp Genetics (formerly Invitae), Labcorp
Classification: Uncertain significance. Last evaluated: 2025-01-27. Review status: criteria provided, single submitter. Criteria: Invitae Variant Classification Sherloc (09022015). Collection method: clinical testing. Allele origin: germline.
Comment: This sequence change replaces valine, which is neutral and non-polar, with leucine, which is neutral and non-polar, at codon 99 of the PDHX protein (p.Val99Leu). This variant is present in population databases (rs373211545, gnomAD 0.02%). This variant has not been reported in the literature in individuals affected with PDHX-related conditions. ClinVar contains an entry for this variant (Variation ID: 2159576). Invitae Evidence Modeling of protein sequence and biophysical properties (such as structural, functional, and spatial information, amino acid conservation, physicochemical variation, residue mobility, and thermodynamic stability) indicates that this missense variant is not expected to disrupt PDHX protein function with a negative predictive value of 80%. In summary, the available evidence is currently insufficient to determine the role of this variant in disease. Therefore, it has been classified as a Variant of Uncertain Significance.

Ambry Genetics
Classification: Uncertain significance for Inborn genetic diseases. Last evaluated: 2025-01-26. Review status: criteria provided, single submitter. Criteria: Ambry Variant Classification Scheme 2023. Collection method: clinical testing. Allele origin: germline.

NM_003477.3(PDHX):c.295G>C (p.Val99Leu)

Gene: PDHX (pyruvate dehydrogenase complex component X; plus strand). Cytogenetic location: 11p13.
Variant type: single nucleotide variant.
Coding change: c.295G>C on transcript NM_003477.3 (MANE Select); coding-DNA position 295, G replaced by C.
Protein change: p.Val99Leu; replaces valine 99 with leucine.
Molecular consequence: missense variant.
Genome position (GRCh38, 1-based): chr11:34,947,559, G>C. VCF-style: chr11-34947559-G-C. GRCh37 (hg19) VCF-style: chr11-34969106-G-C.
Other names: c.115G>C, p.Val39Leu (NM_001135024.2); c.295G>C, p.Val99Leu (NM_001166158.2); c.295G>C (NM_003477.2); short protein forms V99L, V39L.
Identifiers: ClinVar variation 2159576 (VCV002159576.4), dbSNP rs373211545, ClinGen allele CA5945817.